The following is an entry in ClinVar:

NM_058216.3(RAD51C):c.42G>C (p.Leu14Phe)

Gene: RAD51C (RAD51 paralog C; plus strand). Cytogenetic location: 17q22.
Variant type: single nucleotide variant.
Coding change: c.42G>C on transcript NM_058216.3 (MANE Select); coding-DNA position 42, G replaced by C.
Protein change: p.Leu14Phe; replaces leucine 14 with phenylalanine.
Molecular consequence: missense variant. On other transcripts: non-coding transcript variant (2).
Genome position (GRCh38, 1-based): chr17:58,692,685, G>C. VCF-style: chr17-58692685-G-C. GRCh37 (hg19) VCF-style: chr17-56770046-G-C.
Other names: c.42G>C, p.Leu14Phe (NM_002876.4); short protein forms L14F.
Identifiers: ClinVar variation 4841439 (VCV004841439.1).

ClinVar aggregate classification (germline): Uncertain significance (1 of 4 stars; one submission).

Conditions:
Hereditary cancer-predisposing syndrome. Also called: Neoplastic Syndromes, Hereditary; Tumor predisposition; Hereditary Cancer Syndrome; Hereditary neoplastic syndrome. Identifiers: Orphanet 140162, MedGen C0027672, MeSH D009386, MONDO:0015356.

Submission:

Ambry Genetics
Classification: Uncertain significance for Hereditary cancer-predisposing syndrome. Last evaluated: 2026-01-12. Review status: criteria provided, single submitter. Criteria: Ambry Variant Classification Scheme 2023. Collection method: clinical testing. Allele origin: germline.
Comment: The p.L14F variant (also known as c.42G>C), located in coding exon 1 of the RAD51C gene, results from a G to C substitution at nucleotide position 42. The leucine at codon 14 is replaced by phenylalanine, an amino acid with highly similar properties. This amino acid position is conserved. In addition, this alteration is predicted to be tolerated by in silico analysis. Based on the available evidence, the clinical significance of this variant remains unclear.